The following is an entry in ClinVar:

ClinVar aggregate classification (germline): Uncertain significance. Review status: criteria provided, multiple submitters, no conflicts (2 of 4 stars). 2 submissions from 2 submitters: Uncertain significance (2). Last evaluated 2026-06-08.

Conditions:
Inborn genetic diseases. Identifiers: MedGen C0950123, MeSH D030342.

gnomAD v4.1: 1 of 1,613,660 alleles (0.000062%); highest among the groups gnomAD compares: African/African-American, 0.0013%; no homozygotes.

Submissions (2):

Ambry Genetics
Classification: Uncertain significance for Inborn genetic diseases. Last evaluated: 2026-06-08. Review status: criteria provided, single submitter. Criteria: Ambry Variant Classification Scheme 2023. Collection method: clinical testing. Allele origin: germline.
Comment: The p.G945R variant (also known as c.2833G>A), located in coding exon 1 of the SAMD9 gene, results from a G to A substitution at nucleotide position 2833. The glycine at codon 945 is replaced by arginine, an amino acid with dissimilar properties. This amino acid position is conserved. In addition, this alteration is predicted to be tolerated by in silico analysis. Based on the available evidence, the clinical significance of this variant remains unclear.

Labcorp Genetics (formerly Invitae), Labcorp
Classification: Uncertain significance. Last evaluated: 2025-10-29. Review status: criteria provided, single submitter. Criteria: Invitae Variant Classification Sherloc (09022015). Collection method: clinical testing. Allele origin: germline.
Comment: This sequence change replaces glycine, which is neutral and non-polar, with arginine, which is basic and polar, at codon 945 of the SAMD9 protein (p.Gly945Arg). This variant is present in population databases (no rsID available, gnomAD 0.007%). This variant has not been reported in the literature in individuals affected with SAMD9-related conditions. Invitae Evidence Modeling of protein sequence and biophysical properties (such as structural, functional, and spatial information, amino acid conservation, physicochemical variation, residue mobility, and thermodynamic stability) indicates that this missense variant is not expected to disrupt SAMD9 protein function with a negative predictive value of 95%. In summary, the available evidence is currently insufficient to determine the role of this variant in disease. Therefore, it has been classified as a Variant of Uncertain Significance.

NM_017654.4(SAMD9):c.2833G>A (p.Gly945Arg)

Gene: SAMD9 (sterile alpha motif domain containing 9; minus strand). Cytogenetic location: 7q21.2.
Variant type: single nucleotide variant.
Coding change: c.2833G>A on transcript NM_017654.4 (MANE Select); coding-DNA position 2833, G replaced by A.
Protein change: p.Gly945Arg; replaces glycine 945 with arginine.
Molecular consequence: missense variant.
Genome position (GRCh38, 1-based): chr7:93,103,265, C>T on the plus strand (G>A on the coding strand, the complement: SAMD9 is on the minus strand). VCF-style: chr7-93103265-C-T. GRCh37 (hg19) VCF-style: chr7-92732578-C-T.
Other names: c.2833G>A, p.Gly945Arg (NM_001193307.2); c.2833G>A (NM_017654.3); short protein forms G945R.
Identifiers: ClinVar variation 4802480 (VCV004802480.2).